The following is an entry in ClinVar:

ClinVar aggregate classification (germline): Likely benign (1 of 4 stars; one submission).

Allele frequency attached by ClinVar (database versions not stated): gnomAD 0.00003; TOPMed 0.00004; ESP Exome Variant Server 0.00008; gnomAD exomes 0.00008; ExAC 0.00009.
gnomAD v4.1: 117 of 1,613,586 alleles (0.0073%); highest among the groups gnomAD compares: Middle Eastern, 0.083%; 1 homozygote.

Submission:

CeGaT Center for Human Genetics Tuebingen
Classification: Likely benign. Last evaluated: 2023-05-01. Review status: criteria provided, single submitter. Criteria: CeGaT Center For Human Genetics Tuebingen Variant Classification Criteria Version 2. Collection method: clinical testing. Allele origin: germline. Affected: yes. Observed: 1 variant allele.
Comment: SEMA6B: BP4, BP7

NM_032108.4(SEMA6B):c.1017T>C (p.Phe339=)

Gene: SEMA6B (semaphorin 6B; minus strand). Cytogenetic location: 19p13.3.
Variant type: single nucleotide variant.
Coding change: c.1017T>C on transcript NM_032108.4 (MANE Select); coding-DNA position 1017, T replaced by C.
Protein change: p.Phe339=; no amino-acid change (phenylalanine 339 retained).
Molecular consequence: synonymous variant.
Genome position (GRCh38, 1-based): chr19:4,550,903, A>G on the plus strand (T>C on the coding strand, the complement: SEMA6B is on the minus strand). VCF-style: chr19-4550903-A-G. GRCh37 (hg19) VCF-style: chr19-4550915-A-G.
Identifiers: ClinVar variation 2649074 (VCV002649074.24), dbSNP rs200053427, ClinGen allele CA9102642.